The following is an entry in ClinVar:

NM_201384.3(PLEC):c.4390_4392del (p.Thr1464del)

Gene: PLEC (plectin; minus strand). Cytogenetic location: 8q24.3.
Variant type: Deletion.
Coding change: c.4390_4392del on transcript NM_201384.3 (MANE Select); coding-DNA positions 4390 to 4392, 3 bases deleted (ACC; older notation c.4390_4392delACC).
Protein change: p.Thr1464del; deletes threonine 1464.
Molecular consequence: inframe deletion.
Genome position (GRCh38, 1-based): chr8:143,925,537-143,925,539, GGT deleted on the plus strand (ACC on the coding strand, the reverse complement: PLEC is on the minus strand); deleting any 3 consecutive bases within chr8:143,925,537-143,925,541 gives the same sequence; the c. name uses the placement nearest the transcript's 3' end. VCF-style (leftmost placement, unchanged base first): chr8-143925536-CGGT-C. GRCh37 (hg19) VCF-style: chr8-144999704-CGGT-C.
Other names: c.4471_4473del, p.Thr1491del (NM_000445.5); c.4348_4350del, p.Thr1450del (NM_201378.4); c.4324_4326del, p.Thr1442del (NM_201379.3); c.4801_4803del, p.Thr1601del (NM_201380.4); c.4294_4296del, p.Thr1432del (NM_201381.3); c.4390_4392del, p.Thr1464del (NM_201382.4); c.4402_4404del, p.Thr1468del (NM_201383.3); short protein forms T1442del, T1468del, T1464del, T1450del, T1491del, T1432del, T1601del.
Identifiers: ClinVar variation 1495342 (VCV001495342.8), dbSNP rs2131493980, ClinGen allele CA2573142883.

ClinVar aggregate classification (germline): Uncertain significance (1 of 4 stars; one submission).

Conditions:
Epidermolysis bullosa simplex 5B, with muscular dystrophy (EBS5B). Also called: Epidermolysis bullosa simplex with muscular dystrophy; EPIDERMOLYSIS BULLOSA SIMPLEX AND LIMB-GIRDLE MUSCULAR DYSTROPHY. Identifiers: Orphanet 257, MedGen C2931072, MONDO:0009181, OMIM 226670.
Autosomal recessive limb-girdle muscular dystrophy type 2Q (LGMDR17). Also called: MUSCULAR DYSTROPHY, LIMB-GIRDLE, AUTOSOMAL RECESSIVE 17. Identifiers: Orphanet 254361, MedGen C3150989, MONDO:0013390, OMIM 613723.
Epidermolysis bullosa simplex with nail dystrophy (EBS5D). Identifiers: MedGen C4225309, MONDO:0014661, OMIM 616487.
Epidermolysis bullosa simplex 5C, with pyloric atresia (EBS5C). Also called: Epidermolysis bullosa simplex with pyloric atresia; PLEC-Related Epidermolysis Bullosa with Pyloric Atresia; PLEC1-Related Epidermolysis Bullosa with Pyloric Atresia. Identifiers: Orphanet 158684, MedGen C2677349, MONDO:0012807, OMIM 612138.
Epidermolysis bullosa simplex, Ogna type (EBS5A). Also called: EPIDERMOLYSIS BULLOSA SIMPLEX 5A, OGNA TYPE; Pidermolysis bullosa simplex 5A, Ogna type. Identifiers: Orphanet 79401, MedGen C0432317, MONDO:0007555, OMIM 131950.

Submission:

Labcorp Genetics (formerly Invitae), Labcorp
Classification: Uncertain significance for Autosomal recessive limb-girdle muscular dystrophy type 2Q; Epidermolysis bullosa simplex, Ogna type; Epidermolysis bullosa simplex with nail dystrophy; Epidermolysis bullosa simplex 5C, with pyloric atresia; Epidermolysis bullosa simplex 5B, with muscular dystrophy. Last evaluated: 2020-10-30. Review status: criteria provided, single submitter. Criteria: Invitae Variant Classification Sherloc (09022015). Collection method: clinical testing. Allele origin: germline.
Comment: This variant is not present in population databases (ExAC no frequency). This variant, c.4471_4473del, results in the deletion of 1 amino acid(s) of the PLEC protein (p.Thr1491del), but otherwise preserves the integrity of the reading frame. This variant has not been reported in the literature in individuals with PLEC-related conditions. Experimental studies and prediction algorithms are not available or were not evaluated, and the functional significance of this variant is currently unknown. In summary, the available evidence is currently insufficient to determine the role of this variant in disease. Therefore, it has been classified as a Variant of Uncertain Significance.